The following is an entry in ClinVar:

NM_005245.4(FAT1):c.3754A>G (p.Ile1252Val)

Gene: FAT1 (FAT atypical cadherin 1; minus strand). Cytogenetic location: 4q35.2.
Variant type: single nucleotide variant.
Coding change: c.3754A>G on transcript NM_005245.4 (MANE Select); coding-DNA position 3754, A replaced by G.
Protein change: p.Ile1252Val; replaces isoleucine 1252 with valine.
Molecular consequence: missense variant.
Genome position (GRCh38, 1-based): chr4:186,636,803, T>C on the plus strand (A>G on the coding strand, the complement: FAT1 is on the minus strand). VCF-style: chr4-186636803-T-C. GRCh37 (hg19) VCF-style: chr4-187557957-T-C.
Other names: short protein forms I1252V.
Identifiers: ClinVar variation 2244374 (VCV002244374.3), dbSNP rs778067422, ClinGen allele CA358985302.

ClinVar aggregate classification (germline): Uncertain significance. Review status: criteria provided, multiple submitters, no conflicts (2 of 4 stars). 2 submissions from 2 submitters: Uncertain significance (2). Last evaluated 2024-11-05.

Conditions:
Inborn genetic diseases. Identifiers: MedGen C0950123, MeSH D030342.

gnomAD v4.1: 2 of 1,614,030 alleles (0.00012%); highest among the groups gnomAD compares: Non-Finnish European, 0.00017%; no homozygotes.

Submissions (2):

GeneDx
Classification: Uncertain significance. Last evaluated: 2024-11-05. Review status: criteria provided, single submitter. Criteria: GeneDx Variant Classification Process June 2021. Collection method: clinical testing. Allele origin: germline. Affected: yes.
Comment: Not observed at significant frequency in large population cohorts (gnomAD); In silico analysis indicates that this missense variant does not alter protein structure/function; Has not been previously published as pathogenic or benign to our knowledge

Ambry Genetics
Classification: Uncertain significance for Inborn genetic diseases. Last evaluated: 2021-08-13. Review status: criteria provided, single submitter. Criteria: Ambry Variant Classification Scheme 2023. Collection method: clinical testing. Allele origin: germline.